The following is an entry in ClinVar:

NM_005223.4(DNASE1):c.620G>A (p.Arg207His)

Gene: DNASE1 (deoxyribonuclease 1; plus strand). Cytogenetic location: 16p13.3.
Variant type: single nucleotide variant.
Coding change: c.620G>A on transcript NM_005223.4 (MANE Select); coding-DNA position 620, G replaced by A.
Protein change: p.Arg207His; replaces arginine 207 with histidine.
Molecular consequence: missense variant. On other transcripts: non-coding transcript variant (2).
Genome position (GRCh38, 1-based): chr16:3,657,257, G>A. VCF-style: chr16-3657257-G-A. GRCh37 (hg19) VCF-style: chr16-3707258-G-A.
Other names: c.620G>A, p.Arg207His (NM_001351825.2, NM_001387135.1, NM_001387140.1); c.689G>A, p.Arg230His (NM_001387139.1); c.413G>A, p.Arg138His (NM_001387141.1); short protein forms R138H, R207H, R230H.
Identifiers: ClinVar variation 3600502 (VCV003600502.1).

ClinVar aggregate classification (germline): Uncertain significance (1 of 4 stars; one submission).

Conditions:
Systemic lupus erythematosus (SLE). Identifiers: Orphanet 536, MedGen C0024141, MONDO:0007915, OMIM 152700, HP:0002725.

gnomAD v4.1: 86 of 1,613,862 alleles (0.0053%); highest among the groups gnomAD compares: East Asian, 0.033%; no homozygotes.

Submission:

Clinical Genomics Laboratory, Washington University in St. Louis
Classification: Uncertain significance for Systemic lupus erythematosus. Last evaluated: 2024-06-07. Review status: criteria provided, single submitter. Criteria: ACMG Guidelines, 2015. Collection method: clinical testing. Allele origin: germline.
Comment: The DNASE1 c.620G>A (p.Arg207His) variant, to our knowledge, has not been reported in the medical literature. The highest population minor allele frequency in the population database genome aggregation database (v.2.1.1) is 0.0902% in the East Asian population. Computational predictors indicate that the variant is damaging, evidence that correlates with impact to DNASE1 function. Due to limited information, and based on ACMG/AMP guidelines for variant interpretation (Richards S et al., PMID: 25741868), the clinical significance of this variant is uncertain at this time.